The following is an entry in ClinVar:

ClinVar aggregate classification (germline): Uncertain significance. Review status: criteria provided, multiple submitters, no conflicts (2 of 4 stars). 2 submissions from 2 submitters: Uncertain significance (2). Last evaluated 2024-12-26.

Conditions:
Ectodermal dysplasia 4, hair/nail type (ECTD4). Identifiers: Orphanet 69084, MedGen C4024880, MONDO:0011177, OMIM 602032.

Submissions (2):

Labcorp Genetics (formerly Invitae), Labcorp
Classification: Uncertain significance. Last evaluated: 2024-12-26. Review status: criteria provided, single submitter. Criteria: Invitae Variant Classification Sherloc (09022015). Collection method: clinical testing. Allele origin: germline.
Comment: This variant, c.627_629del, results in the deletion of 1 amino acid(s) of the KRT85 protein (p.Lys210del), but otherwise preserves the integrity of the reading frame. This variant is present in population databases (rs753812970, gnomAD 0.01%). This variant has not been reported in the literature in individuals affected with KRT85-related conditions. This variant is also known as c.628_629+1del . Experimental studies and prediction algorithms are not available or were not evaluated, and the functional significance of this variant is currently unknown. In summary, the available evidence is currently insufficient to determine the role of this variant in disease. Therefore, it has been classified as a Variant of Uncertain Significance.

Department of Pathology and Laboratory Medicine, Sinai Health System
Classification: Uncertain significance for Ectodermal dysplasia 4, hair/nail type. Last evaluated: 2022-10-03. Review status: criteria provided, single submitter. Criteria: ACMG Guidelines, 2015. Collection method: research. Allele origin: germline.

NC_000012.12:g.52364961CTT[2]

Gene: KRT85 (keratin 85; minus strand). Cytogenetic location: 12q13.13.
Variant type: Microsatellite.
Genome position: GRCh38 VCF-style: chr12-52364960-ACTT-A. GRCh37 (hg19) VCF-style: chr12-52758744-ACTT-A.
Identifiers: ClinVar variation 3676528 (VCV003676528.3).